The following is an entry in ClinVar:

ClinVar aggregate classification (germline): Likely benign (0 of 4 stars; one submission).

Conditions:
SMC1A-related disorder. Also called: SMC1A-related condition.

Submission:

PreventionGenetics, part of Exact Sciences
Classification: Likely benign for SMC1A-related condition. Last evaluated: 2020-05-04. Review status: no assertion criteria provided. Collection method: clinical testing. Allele origin: germline.
Comment: This variant is classified as likely benign based on ACMG/AMP sequence variant interpretation guidelines (Richards et al. 2015 PMID: 25741868, with internal and published modifications).

NM_006306.4(SMC1A):c.3286-5C>G

Gene: SMC1A (structural maintenance of chromosomes 1A; minus strand). Cytogenetic location: Xp11.22.
Variant type: single nucleotide variant.
Coding change: c.3286-5C>G on transcript NM_006306.4 (MANE Select); 5 bases into the intron before coding-DNA position 3286, C replaced by G.
Molecular consequence: intron variant.
Genome position (GRCh38, 1-based): chrX:53,382,388, G>C on the plus strand (C>G on the coding strand, the complement: SMC1A is on the minus strand). VCF-style: chrX-53382388-G-C. GRCh37 (hg19) VCF-style: chrX-53409309-G-C.
Other names: c.3220-5C>G (NM_001281463.1).
Identifiers: ClinVar variation 3054455 (VCV003054455.2), dbSNP rs2520822878, ClinGen allele CA2740092156.
Genomic context (GRCh38, chrX:53,382,388, plus strand): 5'-TTGTAGTTGATGCCATCCAAGTAGGGCTCTTCAGGGTTCTCAGGGCCCAGGAATGCCTAG[G>C]GGAAGGCAGATGGGTCAGGATCTGTATCTGAGACTGGATGGAGATAGGGACAGGAAGCCT-3'